The following is an entry in ClinVar:

ClinVar aggregate classification (germline): Uncertain significance. Review status: criteria provided, multiple submitters, no conflicts (2 of 4 stars). 2 submissions from 2 submitters: Uncertain significance (2). Last evaluated 2024-04-22.

Conditions:
Hereditary cancer-predisposing syndrome. Also called: Tumor predisposition; Hereditary neoplastic syndrome; Neoplastic Syndromes, Hereditary; Hereditary Cancer Syndrome. Identifiers: Orphanet 140162, MedGen C0027672, MeSH D009386, MONDO:0015356.

Submissions (2):

Labcorp Genetics (formerly Invitae), Labcorp
Classification: Uncertain significance. Last evaluated: 2024-04-22. Review status: criteria provided, single submitter. Criteria: Invitae Variant Classification Sherloc (09022015). Collection method: clinical testing. Allele origin: germline.
Comment: This sequence change replaces isoleucine, which is neutral and non-polar, with threonine, which is neutral and polar, at codon 811 of the POLE protein (p.Ile811Thr). This variant is not present in population databases (gnomAD no frequency). ClinVar contains an entry for this variant (Variation ID: 664553). Advanced modeling of protein sequence and biophysical properties (such as structural, functional, and spatial information, amino acid conservation, physicochemical variation, residue mobility, and thermodynamic stability) performed at Invitae indicates that this missense variant is expected to disrupt POLE protein function with a positive predictive value of 80%.

Ambry Genetics
Classification: Uncertain significance for Hereditary cancer-predisposing syndrome. Last evaluated: 2023-06-12. Review status: criteria provided, single submitter. Criteria: Ambry Variant Classification Scheme 2023. Collection method: clinical testing. Allele origin: germline.
Comment: The p.I811T variant (also known as c.2432T>C), located in coding exon 21 of the POLE gene, results from a T to C substitution at nucleotide position 2432. The isoleucine at codon 811 is replaced by threonine, an amino acid with similar properties. This amino acid position is conserved. In addition, the in silico prediction for this alteration is inconclusive. Since supporting evidence is limited at this time, the clinical significance of this alteration remains unclear.

NM_006231.4(POLE):c.2432T>C (p.Ile811Thr)

Gene: POLE (DNA polymerase epsilon, catalytic subunit; minus strand). Cytogenetic location: 12q24.33.
Variant type: single nucleotide variant.
Coding change: c.2432T>C on transcript NM_006231.4 (MANE Select); coding-DNA position 2432, T replaced by C.
Protein change: p.Ile811Thr; replaces isoleucine 811 with threonine.
Molecular consequence: missense variant.
Genome position (GRCh38, 1-based): chr12:132,665,338, A>G on the plus strand (T>C on the coding strand, the complement: POLE is on the minus strand). VCF-style: chr12-132665338-A-G. GRCh37 (hg19) VCF-style: chr12-133241924-A-G.
Other names: c.2432T>C (NM_006231.2); short protein forms I811T.
Identifiers: ClinVar variation 664553 (VCV000664553.10), dbSNP rs1593785252, ClinGen allele CA387397067.